The following is an entry in ClinVar:

NM_018368.4(LMBRD1):c.562+1G>A

Gene: LMBRD1 (LMBR1 domain containing 1; minus strand). Cytogenetic location: 6q13.
Variant type: single nucleotide variant.
Coding change: c.562+1G>A on transcript NM_018368.4 (MANE Select); the canonical splice donor site of the intron after coding-DNA position 562, G replaced by A.
Molecular consequence: splice donor variant.
Genome position (GRCh38, 1-based): chr6:69,741,788, C>T on the plus strand (G>A on the coding strand, the complement: LMBRD1 is on the minus strand). VCF-style: chr6-69741788-C-T. GRCh37 (hg19) VCF-style: chr6-70451680-C-T.
Other names: c.343+1G>A (NM_001367272.1, NM_001367271.1, NM_001363722.2).
Identifiers: ClinVar variation 1471643 (VCV001471643.7), dbSNP rs372279393, ClinGen allele CA364675268.

ClinVar aggregate classification (germline): Likely pathogenic. Review status: criteria provided, multiple submitters, no conflicts (2 of 4 stars). 2 submissions from 2 submitters: Likely pathogenic (2). Last evaluated 2024-11-05.

Conditions:
Methylmalonic aciduria and homocystinuria type cblF. Also called: METHYLMALONIC ACIDEMIA AND HOMOCYSTINURIA, cblF TYPE; METHYLMALONIC ACIDURIA DUE TO VITAMIN B12-RELEASE DEFECT; VITAMIN B12 LYSOSOMAL RELEASE DEFECT; VITAMIN B12 STORAGE DISEASE; COBALAMIN F DISEASE; COBALAMIN, DEFECT IN LYSOSOMAL RELEASE OF. Identifiers: Orphanet 79284, MedGen C1848578, MONDO:0010183, OMIM 277380.

Allele frequency attached by ClinVar (database versions not stated): gnomAD 0.00001.
gnomAD v4.1: 4 of 1,543,052 alleles (0.00026%); highest among the groups gnomAD compares: South Asian, 0.0022%; no homozygotes.

Submissions (2):

Labcorp Genetics (formerly Invitae), Labcorp
Classification: Likely pathogenic for Methylmalonic aciduria and homocystinuria type cblF. Last evaluated: 2024-11-05. Review status: criteria provided, single submitter. Criteria: Invitae Variant Classification Sherloc (09022015). Collection method: clinical testing. Allele origin: germline.
Comment: This sequence change affects a donor splice site in intron 6 of the LMBRD1 gene. It is expected to disrupt RNA splicing. Variants that disrupt the donor or acceptor splice site typically lead to a loss of protein function (PMID: 16199547), and loss-of-function variants in LMBRD1 are known to be pathogenic (PMID: 19136951, 21303734). This variant is not present in population databases (gnomAD no frequency). This variant has not been reported in the literature in individuals affected with LMBRD1-related conditions. ClinVar contains an entry for this variant (Variation ID: 1471643). Algorithms developed to predict the effect of sequence changes on RNA splicing suggest that this variant may disrupt the consensus splice site. In summary, the currently available evidence indicates that the variant is pathogenic, but additional data are needed to prove that conclusively. Therefore, this variant has been classified as Likely Pathogenic.

Genomic Medicine Center of Excellence, King Faisal Specialist Hospital and Research Centre
Classification: Likely pathogenic for Methylmalonic aciduria and homocystinuria type cblF. Last evaluated: 2024-04-04. Review status: criteria provided, single submitter. Criteria: ACMG Guidelines, 2015. Collection method: clinical testing. Allele origin: germline.

Literature cited by the submitters: PubMed 16199547 (cited by Labcorp Genetics (formerly Invitae), Labcorp); PubMed 19136951 (cited by Labcorp Genetics (formerly Invitae), Labcorp); PubMed 21303734 (cited by Labcorp Genetics (formerly Invitae), Labcorp).